The following is an entry in ClinVar:

NM_000020.3(ACVRL1):c.1138G>T (p.Val380Leu)

Gene: ACVRL1 (activin A receptor like type 1; plus strand). Cytogenetic location: 12q13.13.
Variant type: single nucleotide variant.
Coding change: c.1138G>T on transcript NM_000020.3 (MANE Select); coding-DNA position 1138, G replaced by T.
Protein change: p.Val380Leu; replaces valine 380 with leucine.
Molecular consequence: missense variant. On other transcripts: intron variant (1).
Genome position (GRCh38, 1-based): chr12:51,916,125, G>T. VCF-style: chr12-51916125-G-T. GRCh37 (hg19) VCF-style: chr12-52309909-G-T.
Other names: c.1138G>T, p.Val380Leu (NM_001077401.2, NM_001406487.1, NM_001406488.1 and 1 more transcripts); c.826G>T, p.Val276Leu (NM_001406490.1, NM_001406491.1, NM_001406492.1 and 1 more transcripts); c.574G>T, p.Val192Leu (NM_001406495.1); c.736+625G>T (NM_001406494.1); short protein forms V192L, V276L, V380L.
Identifiers: ClinVar variation 4291736 (VCV004291736.1).

ClinVar aggregate classification (germline): Uncertain significance (1 of 4 stars; one submission).

Conditions:
Telangiectasia, hereditary hemorrhagic, type 2 (HHT2). Also called: Telangiectasia, hereditary hemorrhagic, type II; ACVRL1-Related Hereditary Hemorrhagic Telangiectasia. Identifiers: Orphanet 774, MedGen C1838163, MONDO:0010880, OMIM 600376. Disease mechanism: loss of function.

gnomAD v4.1: 2 of 1,614,038 alleles (0.00012%); no homozygotes.

Submission:

3billion
Classification: Uncertain significance for Telangiectasia, hereditary hemorrhagic, type 2. Last evaluated: 2024-08-27. Review status: criteria provided, single submitter. Criteria: ACMG Guidelines, 2015. Collection method: clinical testing. Allele origin: germline. Affected: yes.
Comment: The variant is observed at an extremely low frequency in the gnomAD v4.0.0 dataset (total allele frequency: <0.001%). Predicted Consequence/Location: Missense variant In silico tool predictions suggest damaging effect of the variant on gene or gene product [REVEL: 0.34 (>=0.6, sensitivity 0.68 and specificity 0.92); 3Cnet: 0.99 (>=0.6, sensitivity 0.72 and precision 0.9)]. A different missense change at the same codon (p.Val380Gly) has been reported to be associated with ACVRL1 related disorder (PMID: 15517393). However the evidence of pathogenicity is insufficient at this time. Therefore, this variant is classified as VUS according to the recommendation of ACMG/AMP guideline.

Literature cited by the submitters: PubMed 15517393.